The following is an entry in ClinVar:

ClinVar aggregate classification (germline): Uncertain significance (1 of 4 stars; one submission).

Conditions:
Neurofibromatosis, type 1 (NF1). Also called: Peripheral type neurofibromatosis; Neurofibromatosis, type I; VON RECKLINGHAUSEN DISEASE; NEUROFIBROMATOSIS, TYPE I, SOMATIC. Identifiers: Orphanet 636, MedGen C0027831, MONDO:0018975, OMIM 162200. Disease mechanism: loss of function.

gnomAD v4.1: 1 of 1,613,032 alleles (0.000062%); no homozygotes.

Submission:

Labcorp Genetics (formerly Invitae), Labcorp
Classification: Uncertain significance for Neurofibromatosis, type 1. Last evaluated: 2024-04-22. Review status: criteria provided, single submitter. Criteria: Invitae Variant Classification Sherloc (09022015). Collection method: clinical testing. Allele origin: germline.
Comment: This sequence change replaces valine, which is neutral and non-polar, with methionine, which is neutral and non-polar, at codon 880 of the NF1 protein (p.Val880Met). This variant is not present in population databases (gnomAD no frequency). This missense change has been observed in individual(s) with clinical features of neurofibromatosis, type 1 (PMID: 25074460). ClinVar contains an entry for this variant (Variation ID: 945416). Advanced modeling of protein sequence and biophysical properties (such as structural, functional, and spatial information, amino acid conservation, physicochemical variation, residue mobility, and thermodynamic stability) performed at Invitae indicates that this missense variant is not expected to disrupt NF1 protein function with a negative predictive value of 95%. In summary, the available evidence is currently insufficient to determine the role of this variant in disease. Therefore, it has been classified as a Variant of Uncertain Significance.

Literature cited by the submitters: PubMed 25074460.

NM_001042492.3(NF1):c.2638G>A (p.Val880Met)

Gene: NF1 (neurofibromin 1; plus strand). Cytogenetic location: 17q11.2.
Variant type: single nucleotide variant.
Coding change: c.2638G>A on transcript NM_001042492.3 (MANE Select); coding-DNA position 2638, G replaced by A.
Protein change: p.Val880Met; replaces valine 880 with methionine.
Molecular consequence: missense variant.
Genome position (GRCh38, 1-based): chr17:31,229,253, G>A. VCF-style: chr17-31229253-G-A. GRCh37 (hg19) VCF-style: chr17-29556271-G-A.
Other names: c.2638G>A, p.Val880Met (NM_000267.4); short protein forms V880M.
Identifiers: ClinVar variation 945416 (VCV000945416.6), dbSNP rs1156571421, ClinGen allele CA398984605.